The following is an entry in ClinVar:

NM_014704.4(CEP104):c.83C>T (p.Ala28Val)

Gene: CEP104 (centrosomal protein 104; minus strand). Cytogenetic location: 1p36.32.
Variant type: single nucleotide variant.
Coding change: c.83C>T on transcript NM_014704.4 (MANE Select); coding-DNA position 83, C replaced by T.
Protein change: p.Ala28Val; replaces alanine 28 with valine.
Molecular consequence: missense variant.
Genome position (GRCh38, 1-based): chr1:3,852,325, G>A on the plus strand (C>T on the coding strand, the complement: CEP104 is on the minus strand). VCF-style: chr1-3852325-G-A. GRCh37 (hg19) VCF-style: chr1-3768889-G-A.
Other names: c.83C>T (NM_014704.3); short protein forms A28V.
Identifiers: ClinVar variation 2045173 (VCV002045173.4), dbSNP rs150169294, ClinGen allele CA552070.
Genomic context (GRCh38, chr1:3,852,325, plus strand): 5'-AGCCCAAGCCCCGCCCCGTCCAGTCCTCACCTAGGTGACCGCCACCCACTGACAGTTGGC[G>A]CGTGGATCATGAGCTCCCGGGCACTGAAGCCGTCTTCGTGTCCAGATGAGCTGACGACTA-3'
Protein context (NP_055519.1, residues 18-38): GFSARELMIH[Ala28Val]PTVSGWRSPR

ClinVar aggregate classification (germline): Uncertain significance. Review status: criteria provided, multiple submitters, no conflicts (2 of 4 stars). 3 submissions from 3 submitters: Uncertain significance (2). 1 of the submissions does not count toward it. Last evaluated 2022-02-11.

Conditions:
Joubert syndrome 25 (JBTS25). Identifiers: Orphanet 475, MedGen C4084842, MONDO:0014770, OMIM 616781.
CEP104-related disorder. Also called: CEP104-related condition.

Allele frequency attached by ClinVar (database versions not stated): gnomAD exomes 0.00005; TOPMed 0.00005; ExAC 0.00006; ESP Exome Variant Server 0.00008; gnomAD 0.00008.
gnomAD v4.1: 93 of 1,613,936 alleles (0.0058%); highest among the groups gnomAD compares: South Asian, 0.011%; no homozygotes.

Submissions (3):

Labcorp Genetics (formerly Invitae), Labcorp
Classification: Uncertain significance for Joubert syndrome 25. Last evaluated: 2022-02-11. Review status: criteria provided, single submitter. Criteria: Invitae Variant Classification Sherloc (09022015). Collection method: clinical testing. Allele origin: germline.
Comment: This sequence change replaces alanine, which is neutral and non-polar, with valine, which is neutral and non-polar, at codon 28 of the CEP104 protein (p.Ala28Val). This variant is present in population databases (rs150169294, gnomAD 0.03%). This variant has not been reported in the literature in individuals affected with CEP104-related conditions. Algorithms developed to predict the effect of missense changes on protein structure and function are either unavailable or do not agree on the potential impact of this missense change (SIFT: "Deleterious"; PolyPhen-2: "Probably Damaging"; Align-GVGD: "Class C0"). In summary, the available evidence is currently insufficient to determine the role of this variant in disease. Therefore, it has been classified as a Variant of Uncertain Significance.

Blueprint Genetics
Classification: Uncertain significance. Last evaluated: 2021-07-23. Review status: criteria provided, single submitter. Criteria: ACMG Guidelines, 2015. Collection method: clinical testing. Allele origin: germline.

PreventionGenetics, part of Exact Sciences
Classification: Uncertain significance for CEP104-related condition. Last evaluated: 2023-11-27. Review status: no assertion criteria provided. Collection method: clinical testing. Allele origin: germline. Not counted in ClinVar's aggregate classification.
Comment: The CEP104 c.83C>T variant is predicted to result in the amino acid substitution p.Ala28Val. To our knowledge, this variant has not been reported in the literature. This variant is reported in 0.026% of alleles in individuals of South Asian descent in gnomAD. At this time, the clinical significance of this variant is uncertain due to the absence of conclusive functional and genetic evidence.